The following is an entry in ClinVar:

NM_001290060.2(SEMA3B):c.1342C>A (p.Leu448Ile)

Gene: SEMA3B (semaphorin 3B; plus strand). Cytogenetic location: 3p21.31.
Variant type: single nucleotide variant.
Coding change: c.1342C>A on transcript NM_001290060.2 (MANE Select); coding-DNA position 1342, C replaced by A.
Protein change: p.Leu448Ile; replaces leucine 448 with isoleucine.
Molecular consequence: missense variant. On other transcripts: non-coding transcript variant (1).
Genome position (GRCh38, 1-based): chr3:50,274,567, C>A. VCF-style: chr3-50274567-C-A. GRCh37 (hg19) VCF-style: chr3-50311998-C-A.
Other names: c.1339C>A, p.Leu447Ile (NM_001005914.3, NM_001435957.1, NM_001435958.1); c.1357C>A, p.Leu453Ile (NM_001290061.1); c.313C>A, p.Leu105Ile (NM_001290062.2, NM_001290063.2); c.1342C>A, p.Leu448Ile (NM_001435956.1, NM_004636.4); short protein forms L105I, L448I, L453I, L447I.
Identifiers: ClinVar variation 5002379 (VCV005002379.1).

ClinVar aggregate classification (germline): Uncertain significance (1 of 4 stars; one submission).

Conditions:
SEMA3B-related disorder. Also called: SEMA3B-related condition.

gnomAD v4.1: 3 of 1,541,094 alleles (0.00019%); highest among the groups gnomAD compares: African/African-American, 0.0028%; no homozygotes.

Submission:

PreventionGenetics, part of Exact Sciences
Classification: Uncertain significance for SEMA3B-related condition. Last evaluated: 2025-10-20. Review status: criteria provided, single submitter. Criteria: ACMG Guidelines, 2015. Collection method: clinical testing. Allele origin: germline.
Comment: The SEMA3B c.1357C>A variant is predicted to result in the amino acid substitution p.Leu453Ile. To our knowledge, this variant has not been reported in the literature. This variant is reported in 0.014% of alleles in individuals of African descent in gnomAD. At this time, the clinical significance of this variant is uncertain due to the absence of conclusive functional and genetic evidence.